The following is an entry in ClinVar:

ClinVar aggregate classification (germline): Likely pathogenic (1 of 4 stars; one submission).

Conditions:
Hereditary cancer-predisposing syndrome. Also called: Neoplastic Syndromes, Hereditary; Hereditary neoplastic syndrome; Tumor predisposition; Hereditary Cancer Syndrome. Identifiers: Orphanet 140162, MedGen C0027672, MeSH D009386, MONDO:0015356.

Submission:

Ambry Genetics
Classification: Likely pathogenic for Hereditary cancer-predisposing syndrome. Last evaluated: 2023-02-28. Review status: criteria provided, single submitter. Criteria: Ambry Variant Classification Scheme 2023. Collection method: clinical testing. Allele origin: germline.
Comment: The c.348delC variant, located in coding exon 5 of the MAX gene, results from a deletion of one nucleotide at nucleotide position 348, causing a translational frameshift with a predicted alternate stop codon (p.S117Pfs*53). This alteration occurs at the 3' terminus of theMAX gene, is not expected to trigger nonsense-mediated mRNAdecay and results in the elongation of the protein by 8 amino acids. This frameshift impacts the last 45amino acids of the native protein. However, frameshifts are typically deleterious in nature and a significant portion of the protein is affected (Ambry internal data). This variant is considered to be rare based on population cohorts in the Genome Aggregation Database (gnomAD). Based on the majority of available evidence to date, this variant is likely to be pathogenic.

NM_002382.5(MAX):c.348del (p.Ser117fs)

Gene: MAX (MYC associated transcriptional regulator X; minus strand). Cytogenetic location: 14q23.3.
Variant type: Deletion.
Coding change: c.348del on transcript NM_002382.5 (MANE Select); coding-DNA position 348, one base deleted (C; older notation c.348delC).
Protein change: p.Ser117fs; shifts the reading frame from serine 117.
Molecular consequence: frameshift variant. On other transcripts: 3 prime UTR variant (12), non-coding transcript variant (7), intron variant (2).
Genome position (GRCh38, 1-based): chr14:65,076,611, G deleted on the plus strand (C on the coding strand, the reverse complement: MAX is on the minus strand); the first of 4 consecutive G bases (chr14:65,076,611-65,076,614); deleting any one gives the same sequence. VCF-style (leftmost placement, unchanged base first): chr14-65076610-AG-A. GRCh37 (hg19) VCF-style: chr14-65543328-AG-A.
Other names: c.348delC (NM_002382.3); c.159del, p.Ser54fs (NM_001320415.2, NM_001407105.1, NM_001407106.1 and 1 more transcripts); c.348del, p.Ser117fs (NM_001407094.1); c.321del, p.Ser108fs (NM_001407095.1, NM_145112.3); c.*121del (NM_001407096.1, NM_001407099.1, NM_001407102.1 and 2 more transcripts); c.*137del (NM_001407097.1, NM_001407100.1, NM_001407101.1 and 4 more transcripts); c.240del, p.Ser81fs (NM_001407098.1); c.147del, p.Ser50fs (NM_001407111.1, NM_001407112.1); and 2 more; short protein forms S117fs, S54fs, S108fs, S50fs, S81fs.
Identifiers: ClinVar variation 2453896 (VCV002453896.2), dbSNP rs2504175252, ClinGen allele CA2580088571.